The following is an entry in ClinVar:

NM_016203.4(PRKAG2):c.898G>A (p.Gly300Ser)

Gene: PRKAG2 (protein kinase AMP-activated non-catalytic subunit gamma 2; minus strand). Cytogenetic location: 7q36.1.
Variant type: single nucleotide variant.
Coding change: c.898G>A on transcript NM_016203.4 (MANE Select); coding-DNA position 898, G replaced by A.
Protein change: p.Gly300Ser; replaces glycine 300 with serine.
Molecular consequence: missense variant.
Genome position (GRCh38, 1-based): chr7:151,576,419, C>T on the plus strand (G>A on the coding strand, the complement: PRKAG2 is on the minus strand). VCF-style: chr7-151576419-C-T. GRCh37 (hg19) VCF-style: chr7-151273505-C-T.
Other names: c.766G>A, p.Gly256Ser (NM_001040633.2, NM_001407024.1); c.523G>A, p.Gly175Ser (NM_001304527.2, NM_001407029.1); c.175G>A, p.Gly59Ser (NM_001304531.2, NM_001407034.1, NM_001407035.1 and 1 more transcripts); c.526G>A, p.Gly176Ser (NM_001363698.2, NM_001407028.1); c.898G>A, p.Gly300Ser (NM_001407021.1); c.895G>A, p.Gly299Ser (NM_001407022.1, NM_001407023.1); c.763G>A, p.Gly255Ser (NM_001407026.1, NM_001407027.1); c.610G>A, p.Gly204Ser (NM_001407030.1); and 6 more; short protein forms G175S, G194S, G256S, G59S, G203S, G299S, G79S, G192S.
Identifiers: ClinVar variation 2164819 (VCV002164819.6), dbSNP rs2536413528, ClinGen allele CA370072463.

ClinVar aggregate classification (germline): Uncertain significance. Review status: criteria provided, multiple submitters, no conflicts (2 of 4 stars). 2 submissions from 2 submitters: Uncertain significance (2). Last evaluated 2024-03-06.

Conditions:
Cardiomyopathy (CMYO). Also called: Cardiomyopathies. Identifiers: Orphanet 167848, MedGen C0878544, MONDO:0004994, HP:0001638. Inheritance: Various modes of inheritance.
Lethal congenital glycogen storage disease of heart. Also called: PHOSPHORYLASE KINASE DEFICIENCY OF HEART; GLYCOGEN STORAGE DISEASE OF HEART. Identifiers: Orphanet 439854, MedGen C1849813, MONDO:0009867, OMIM 261740.

Allele frequency attached by ClinVar (database versions not stated): gnomAD exomes below 0.00001.
gnomAD v4.1: 1 of 1,610,782 alleles (0.000062%); highest among the groups gnomAD compares: Non-Finnish European, 0.000085%; no homozygotes.

Submissions (2):

Color Diagnostics, LLC DBA Color Health
Classification: Uncertain significance for Cardiomyopathy. Last evaluated: 2024-03-06. Review status: criteria provided, single submitter. Criteria: ACMG Guidelines, 2015. Collection method: clinical testing. Allele origin: germline.
Comment: This missense variant replaces glycine with serine at codon 300 of the PRKAG2 protein. Computational prediction suggests that this variant may have deleterious impact on protein structure and function (internally defined REVEL score threshold >= 0.7, PMID: 27666373). To our knowledge, functional studies have not been reported for this variant. This variant has not been reported in individuals affected with cardiovascular disorders in the literature. This variant has not been identified in the general population by the Genome Aggregation Database (gnomAD). The available evidence is insufficient to determine the role of this variant in disease conclusively. Therefore, this variant is classified as a Variant of Uncertain Significance.

Labcorp Genetics (formerly Invitae), Labcorp
Classification: Uncertain significance for Lethal congenital glycogen storage disease of heart. Last evaluated: 2022-08-20. Review status: criteria provided, single submitter. Criteria: Invitae Variant Classification Sherloc (09022015). Collection method: clinical testing. Allele origin: germline.
Comment: In summary, the available evidence is currently insufficient to determine the role of this variant in disease. Therefore, it has been classified as a Variant of Uncertain Significance. Advanced modeling of protein sequence and biophysical properties (such as structural, functional, and spatial information, amino acid conservation, physicochemical variation, residue mobility, and thermodynamic stability) performed at Invitae indicates that this missense variant is expected to disrupt PRKAG2 protein function. This variant has not been reported in the literature in individuals affected with PRKAG2-related conditions. This variant is not present in population databases (gnomAD no frequency). This sequence change replaces glycine, which is neutral and non-polar, with serine, which is neutral and polar, at codon 300 of the PRKAG2 protein (p.Gly300Ser).